The following is an entry in ClinVar:

ClinVar aggregate classification (germline): Uncertain significance (1 of 4 stars; one submission).

Conditions:
Beckwith-Wiedemann syndrome (BWS). Also called: Exomphalos macroglossia gigantism syndrome; EMG SYNDROME. Identifiers: Orphanet 116, MedGen C0004903, MONDO:0007534, OMIM 130650.

Submission:

Labcorp Genetics (formerly Invitae), Labcorp
Classification: Uncertain significance for Beckwith-Wiedemann syndrome. Last evaluated: 2025-09-27. Review status: criteria provided, single submitter. Criteria: Invitae Variant Classification Sherloc (09022015). Collection method: clinical testing. Allele origin: germline.
Comment: This sequence change replaces proline, which is neutral and non-polar, with serine, which is neutral and polar, at codon 152 of the CDKN1C protein (p.Pro152Ser). This variant is not present in population databases (gnomAD no frequency). This variant has not been reported in the literature in individuals affected with CDKN1C-related conditions. ClinVar contains an entry for this variant (Variation ID: 1001893). Experimental studies and prediction algorithms are not available or were not evaluated, and the functional significance of this variant is currently unknown. In summary, the available evidence is currently insufficient to determine the role of this variant in disease. Therefore, it has been classified as a Variant of Uncertain Significance.

NM_001122630.2(CDKN1C):c.421C>T (p.Pro141Ser)

Gene: CDKN1C (cyclin dependent kinase inhibitor 1C; minus strand). Cytogenetic location: 11p15.4.
Variant type: single nucleotide variant.
Coding change: c.421C>T on transcript NM_001122630.2 (MANE Select); coding-DNA position 421, C replaced by T.
Protein change: p.Pro141Ser; replaces proline 141 with serine.
Molecular consequence: missense variant. On other transcripts: intron variant (1).
Genome position (GRCh38, 1-based): chr11:2,885,036, G>A on the plus strand (C>T on the coding strand, the complement: CDKN1C is on the minus strand). VCF-style: chr11-2885036-G-A. GRCh37 (hg19) VCF-style: chr11-2906266-G-A.
Other names: c.454C>T, p.Pro152Ser (NM_000076.2, NM_001362474.2); c.421C>T, p.Pro141Ser (NM_001122631.2); c.255+166C>T (NM_001362475.2); short protein forms P141S, P152S.
Identifiers: ClinVar variation 1001893 (VCV001001893.6), dbSNP rs1848953645, ClinGen allele CA379146666.